The following is an entry in ClinVar:

ClinVar aggregate classification (germline): Uncertain significance (1 of 4 stars; one submission).

Conditions:
RASopathy. Also called: Noonan spectrum disorder; rasopathies. Identifiers: Orphanet 536391, MedGen C5555857, MONDO:0021060.

gnomAD v4.1: 2 of 1,614,184 alleles (0.00012%); highest among the groups gnomAD compares: Non-Finnish European, 0.00017%; no homozygotes.

Submission:

Labcorp Genetics (formerly Invitae), Labcorp
Classification: Uncertain significance for RASopathy. Last evaluated: 2025-03-23. Review status: criteria provided, single submitter. Criteria: Invitae Variant Classification Sherloc (09022015). Collection method: clinical testing. Allele origin: germline.
Comment: This sequence change replaces proline, which is neutral and non-polar, with glutamine, which is neutral and polar, at codon 495 of the CBL protein (p.Pro495Gln). This variant is not present in population databases (gnomAD no frequency). This missense change has been observed in individual(s) with sudden cardiac arrest (PMID: 35352813). ClinVar contains an entry for this variant (Variation ID: 1914670). Invitae Evidence Modeling of protein sequence and biophysical properties (such as structural, functional, and spatial information, amino acid conservation, physicochemical variation, residue mobility, and thermodynamic stability) has been performed for this missense variant. However, the output from this modeling did not meet the statistical confidence thresholds required to predict the impact of this variant on CBL protein function. In summary, the available evidence is currently insufficient to determine the role of this variant in disease. Therefore, it has been classified as a Variant of Uncertain Significance.

Literature cited by the submitters: PubMed 35352813.

NM_005188.4(CBL):c.1484C>A (p.Pro495Gln)

Gene: CBL (Cbl proto-oncogene; plus strand). Cytogenetic location: 11q23.3.
Variant type: single nucleotide variant.
Coding change: c.1484C>A on transcript NM_005188.4 (MANE Select); coding-DNA position 1484, C replaced by A.
Protein change: p.Pro495Gln; replaces proline 495 with glutamine.
Molecular consequence: missense variant.
Genome position (GRCh38, 1-based): chr11:119,285,021, C>A. VCF-style: chr11-119285021-C-A. GRCh37 (hg19) VCF-style: chr11-119155731-C-A.
Other names: short protein forms P495Q.
Identifiers: ClinVar variation 1914670 (VCV001914670.5), dbSNP rs373989524, ClinGen allele CA382917999.